The following is an entry in ClinVar:

NM_000124.4(ERCC6):c.4238A>G (p.Gln1413Arg)

Gene: ERCC6 (ERCC excision repair 6, chromatin remodeling factor; minus strand). Cytogenetic location: 10q11.23.
Variant type: single nucleotide variant.
Coding change: c.4238A>G on transcript NM_000124.4 (MANE Select); coding-DNA position 4238, A replaced by G.
Protein change: p.Gln1413Arg; replaces glutamine 1413 with arginine.
Molecular consequence: missense variant.
Genome position (GRCh38, 1-based): chr10:49,459,059, T>C on the plus strand (A>G on the coding strand, the complement: ERCC6 is on the minus strand). VCF-style: chr10-49459059-T-C. GRCh37 (hg19) VCF-style: chr10-50667105-T-C.
Other names: c.4238A>G, p.Gln1413Arg (NM_001346440.2); short protein forms Q1413R.
Identifiers: ClinVar variation 129020 (VCV000129020.31), dbSNP rs2228529, ClinGen allele CA152794.

ClinVar aggregate classification (germline): Benign. Review status: criteria provided, multiple submitters, no conflicts (2 of 4 stars). 11 submissions from 11 submitters: Benign (7). 4 of the submissions do not count toward it. Last evaluated 2026-02-04.

Allele frequency attached by ClinVar (database versions not stated): 1000 Genomes Project 30x 0.17645; TOPMed 0.17787; 1000 Genomes Project 0.17891; gnomAD 0.18890 and 0.19381; ESP Exome Variant Server 0.18914; gnomAD exomes 0.20981 and 0.21657; ExAC 0.21784.
gnomAD v4.1: 336,052 of 1,614,064 alleles (21%); highest among the groups gnomAD compares: South Asian, 35%; 37,755 homozygotes.

Submissions (11):

Labcorp Genetics (formerly Invitae), Labcorp
Classification: Benign. Last evaluated: 2026-02-04. Review status: criteria provided, single submitter. Criteria: Invitae Variant Classification Sherloc (09022015). Collection method: clinical testing. Allele origin: germline.

Blueprint Genetics
Classification: Benign. Last evaluated: 2024-11-27. Review status: criteria provided, single submitter. Criteria: ACMG Guidelines, 2015. Collection method: clinical testing. Allele origin: germline.

GeneDx
Classification: Benign. Last evaluated: 2018-10-22. Review status: criteria provided, single submitter. Criteria: GeneDx Variant Classification Process June 2021. Collection method: clinical testing. Allele origin: germline. Affected: yes.

Eurofins Ntd Llc (ga)
Classification: Benign. Last evaluated: 2016-11-15. Review status: criteria provided, single submitter. Criteria: EGL Classification Definitions 2015. Collection method: clinical testing. Allele origin: germline. Observed: 1 variant allele, 1 heterozygote.

Claritas Genomics
Classification: Benign. Last evaluated: 2012-06-29. Review status: criteria provided, single submitter. Criteria: ACMG Guidelines, 2007. Collection method: clinical testing. Allele origin: germline. Inheritance: Autosomal recessive inheritance.

Breakthrough Genomics
Classification: Benign. Review status: criteria provided, single submitter. Criteria: ACMG Guidelines, 2015. Collection method: not provided. Allele origin: germline. Inheritance: Autosomal recessive inheritance. Affected: yes.

PreventionGenetics, part of Exact Sciences
Classification: Benign. Review status: criteria provided, single submitter. Criteria: ACMG Guidelines, 2015. Collection method: clinical testing. Allele origin: germline.

Clinical Genetics DNA and cytogenetics Diagnostics Lab, Erasmus MC, Erasmus Medical Center
Classification: Benign. Review status: no assertion criteria provided. Collection method: clinical testing. Allele origin: germline. Affected: yes. Study: VKGL Data-share Consensus. Not counted in ClinVar's aggregate classification.

Diagnostic Laboratory, Department of Genetics, University Medical Center Groningen
Classification: Benign. Review status: no assertion criteria provided. Collection method: clinical testing. Allele origin: germline. Affected: yes. Study: VKGL Data-share Consensus. Not counted in ClinVar's aggregate classification.

Genetic Services Laboratory, University of Chicago
Classification: Likely benign for AllHighlyPenetrant. Review status: no assertion criteria provided. Collection method: clinical testing. Allele origin: germline. Not counted in ClinVar's aggregate classification.
Comment: Likely benign based on allele frequency in 1000 Genomes Project or ESP global frequency and its presence in a patient with a rare or unrelated disease phenotype. NOT Sanger confirmed.

Joint Genome Diagnostic Labs from Nijmegen and Maastricht, Radboudumc and MUMC+
Classification: Benign. Review status: no assertion criteria provided. Collection method: clinical testing. Allele origin: germline. Affected: yes. Study: VKGL Data-share Consensus. Not counted in ClinVar's aggregate classification.